The following is an entry in ClinVar:

ClinVar aggregate classification (germline): Likely pathogenic (1 of 4 stars; one submission).

Conditions:
Congenital myasthenic syndrome 16. Identifiers: Orphanet 590, MedGen C3280112, MONDO:0013620, OMIM 614198.

Submission:

MGZ Medical Genetics Center
Classification: Likely pathogenic for Congenital myasthenic syndrome 16. Last evaluated: 2022-03-07. Review status: criteria provided, single submitter. Criteria: ACMG Guidelines, 2015. Collection method: clinical testing. Allele origin: germline. Affected: yes. Observed: 1 variant allele.
Comment: ACMG criteria applied: PVS1, PM2_SUP

NM_000334.4(SCN4A):c.435C>A (p.Cys145Ter)

Gene: SCN4A (sodium voltage-gated channel alpha subunit 4; minus strand). Cytogenetic location: 17q23.3.
Variant type: single nucleotide variant.
Coding change: c.435C>A on transcript NM_000334.4 (MANE Select); coding-DNA position 435, C replaced by A.
Protein change: p.Cys145Ter; replaces cysteine 145 with a stop codon.
Molecular consequence: nonsense.
Genome position (GRCh38, 1-based): chr17:63,972,183, G>T on the plus strand (C>A on the coding strand, the complement: SCN4A is on the minus strand). VCF-style: chr17-63972183-G-T. GRCh37 (hg19) VCF-style: chr17-62049543-G-T.
Other names: short protein forms C145*.
Identifiers: ClinVar variation 1709301 (VCV001709301.1), dbSNP rs777998706, ClinGen allele CA400639610.